The following is an entry in ClinVar:

NM_000090.4(COL3A1):c.2092_2098delinsACTGTT (p.Ala698fs)

Gene: COL3A1 (collagen type III alpha 1 chain; plus strand). Cytogenetic location: 2q32.2.
Variant type: Indel.
Coding change: c.2092_2098delinsACTGTT on transcript NM_000090.4 (MANE Select); coding-DNA positions 2092 to 2098, GCTGGTC replaced by ACTGTT.
Protein change: p.Ala698fs; shifts the reading frame from alanine 698.
Molecular consequence: frameshift variant.
Genome position (GRCh38, 1-based): chr2:188,999,354-188,999,360, GCTGGTC replaced by ACTGTT. VCF-style: chr2-188999354-GCTGGTC-ACTGTT. GRCh37 (hg19) VCF-style: chr2-189864080-GCTGGTC-ACTGTT.
Other names: p.Ala698Thrfs*93; c.2092_2098delGCTGGTCinsACTGTT, p.Ala698Thrfs (NM_000090.3); short protein forms A698fs.
Identifiers: ClinVar variation 2683642 (VCV002683642.1), dbSNP rs2469143500, ClinGen allele CA2697551450.

ClinVar aggregate classification (germline): Likely pathogenic (1 of 4 stars; one submission).

Submission:

Mayo Clinic Laboratories, Mayo Clinic
Classification: Likely pathogenic. Last evaluated: 2022-06-29. Review status: criteria provided, single submitter. Criteria: ACMG Guidelines, 2015. Collection method: clinical testing. Allele origin: germline. Observed: 1 variant allele.
Comment: PM2, PVS1